The following is an entry in ClinVar:

NM_007255.3(B4GALT7):c.7C>T (p.Pro3Ser)

Genes: B4GALT7 (beta-1,4-galactosyltransferase 7; plus strand), LOC129995400 (ATAC-STARR-seq lymphoblastoid silent region 16704; plus strand). Cytogenetic location: 5q35.3.
Variant type: single nucleotide variant.
Coding change: c.7C>T on transcript NM_007255.3 (MANE Select); coding-DNA position 7, C replaced by T.
Protein change: p.Pro3Ser; replaces proline 3 with serine.
Molecular consequence: missense variant.
Genome position (GRCh38, 1-based): chr5:177,600,217, C>T. VCF-style: chr5-177600217-C-T. GRCh37 (hg19) VCF-style: chr5-177027218-C-T.
Other names: c.7C>T (NM_007255.2); short protein forms P3S.
Identifiers: ClinVar variation 1443885 (VCV001443885.5), dbSNP rs749515076, ClinGen allele CA3586341.

ClinVar aggregate classification (germline): Conflicting classifications of pathogenicity. Review status: criteria provided, conflicting classifications (1 of 4 stars). 3 submissions from 3 submitters: Uncertain significance (2); Likely benign (1). Last evaluated 2024-06-27.

Conditions:
Spondylodysplastic Ehlers-Danlos syndrome. Identifiers: Orphanet 536471, Orphanet 75496, MedGen C5680154, MONDO:0007526.

gnomAD v4.1: 126 of 1,391,766 alleles (0.0091%); highest among the groups gnomAD compares: Non-Finnish European, 0.011%; no homozygotes.

Submissions (3):

GeneDx
Classification: Uncertain significance. Last evaluated: 2024-06-27. Review status: criteria provided, single submitter. Criteria: GeneDx Variant Classification Process June 2021. Collection method: clinical testing. Allele origin: germline. Affected: yes.
Comment: Not observed at significant frequency in large population cohorts (gnomAD); In silico analysis indicates that this missense variant does not alter protein structure/function; Has not been previously published as pathogenic or benign to our knowledge

Blueprint Genetics
Classification: Likely benign. Last evaluated: 2022-09-14. Review status: criteria provided, single submitter. Criteria: ACMG Guidelines, 2015. Collection method: clinical testing. Allele origin: germline.

Labcorp Genetics (formerly Invitae), Labcorp
Classification: Uncertain significance for Spondylodysplastic Ehlers-Danlos syndrome. Last evaluated: 2022-08-09. Review status: criteria provided, single submitter. Criteria: Invitae Variant Classification Sherloc (09022015). Collection method: clinical testing. Allele origin: germline.
Comment: This sequence change replaces proline, which is neutral and non-polar, with serine, which is neutral and polar, at codon 3 of the B4GALT7 protein (p.Pro3Ser). This variant is present in population databases (rs749515076, gnomAD 0.005%). This variant has not been reported in the literature in individuals affected with B4GALT7-related conditions. ClinVar contains an entry for this variant (Variation ID: 1443885). Algorithms developed to predict the effect of missense changes on protein structure and function (SIFT, PolyPhen-2, Align-GVGD) all suggest that this variant is likely to be tolerated. In summary, the available evidence is currently insufficient to determine the role of this variant in disease. Therefore, it has been classified as a Variant of Uncertain Significance.